The following is an entry in ClinVar:

ClinVar aggregate classification (germline): Uncertain significance (1 of 4 stars; one submission).

Conditions:
Hereditary cancer-predisposing syndrome. Also called: Neoplastic Syndromes, Hereditary; Tumor predisposition; Hereditary Cancer Syndrome; Hereditary neoplastic syndrome. Identifiers: Orphanet 140162, MedGen C0027672, MeSH D009386, MONDO:0015356.

Submission:

Ambry Genetics
Classification: Uncertain significance for Hereditary cancer-predisposing syndrome. Last evaluated: 2026-05-19. Review status: criteria provided, single submitter. Criteria: Ambry Variant Classification Scheme 2023. Collection method: clinical testing. Allele origin: germline.
Comment: The p.T719I variant (also known as c.2156C>T), located in coding exon 13 of the DICER1 gene, results from a C to T substitution at nucleotide position 2156. The threonine at codon 719 is replaced by isoleucine, an amino acid with similar properties. This amino acid position is conserved. In addition, the in silico prediction for this alteration is inconclusive. Based on the available evidence, the clinical significance of this variant remains unclear.

NM_177438.3(DICER1):c.2156C>T (p.Thr719Ile)

Gene: DICER1 (dicer 1, ribonuclease III; minus strand). Cytogenetic location: 14q32.13.
Variant type: single nucleotide variant.
Coding change: c.2156C>T on transcript NM_177438.3 (MANE Select); coding-DNA position 2156, C replaced by T.
Protein change: p.Thr719Ile; replaces threonine 719 with isoleucine.
Molecular consequence: missense variant. On other transcripts: non-coding transcript variant (6).
Genome position (GRCh38, 1-based): chr14:95,111,417, G>A on the plus strand (C>T on the coding strand, the complement: DICER1 is on the minus strand). VCF-style: chr14-95111417-G-A. GRCh37 (hg19) VCF-style: chr14-95577754-G-A.
Other names: c.2156C>T, p.Thr719Ile (NM_001195573.1, NM_001271282.3, NM_001291628.2 and 12 more transcripts); c.1874C>T, p.Thr625Ile (NM_001395686.1); c.1751C>T, p.Thr584Ile (NM_001395687.1, NM_001395688.1, NM_001395689.1 and 3 more transcripts); c.1589C>T, p.Thr530Ile (NM_001395691.1); c.473C>T, p.Thr158Ile (NM_001395697.1); short protein forms T158I, T530I, T584I, T625I, T719I.
Identifiers: ClinVar variation 4869798 (VCV004869798.1).